The following is an entry in ClinVar:

NM_001734.5(C1S):c.1007C>T (p.Ser336Phe)

Gene: C1S (complement C1s; plus strand). Cytogenetic location: 12p13.31.
Variant type: single nucleotide variant.
Coding change: c.1007C>T on transcript NM_001734.5 (MANE Select); coding-DNA position 1007, C replaced by T.
Protein change: p.Ser336Phe; replaces serine 336 with phenylalanine.
Molecular consequence: missense variant.
Genome position (GRCh38, 1-based): chr12:7,067,058, C>T. VCF-style: chr12-7067058-C-T. GRCh37 (hg19) VCF-style: chr12-7174362-C-T.
Other names: c.506C>T, p.Ser169Phe (NM_001346850.2); c.1007C>T, p.Ser336Phe (NM_201442.4); short protein forms S169F, S336F.
Identifiers: ClinVar variation 1974980 (VCV001974980.5), dbSNP rs782070807, ClinGen allele CA6423648.
Genomic context (GRCh38, chr12:7,067,058, plus strand): 5'-TCTCTCTTCAGAAATAAGTGGTGATGTTTATTATTCTCCAGGGACGTGTTGGTGCAACAT[C>T]TTTCTATTCGACTTGTCAAAGCAATGGAAAGTGGAGTAATTCCAAACTGAAATGTCAACG-3'
Protein context (NP_001725.1, residues 326-346): EVVEGRVGAT[Ser336Phe]FYSTCQSNGK

ClinVar aggregate classification (germline): Uncertain significance (1 of 4 stars; one submission).

Allele frequency attached by ClinVar (database versions not stated): TOPMed 0.00001; gnomAD exomes below 0.00001; gnomAD 0.00002.
gnomAD v4.1: 7 of 1,611,966 alleles (0.00043%); highest among the groups gnomAD compares: Non-Finnish European, 0.00059%; no homozygotes.

Submission:

Labcorp Genetics (formerly Invitae), Labcorp
Classification: Uncertain significance. Last evaluated: 2025-03-22. Review status: criteria provided, single submitter. Criteria: Invitae Variant Classification Sherloc (09022015). Collection method: clinical testing. Allele origin: germline.
Comment: This sequence change replaces serine, which is neutral and polar, with phenylalanine, which is neutral and non-polar, at codon 336 of the C1S protein (p.Ser336Phe). This variant is not present in population databases (gnomAD no frequency). This variant has not been reported in the literature in individuals affected with C1S-related conditions. ClinVar contains an entry for this variant (Variation ID: 1974980). Invitae Evidence Modeling of protein sequence and biophysical properties (such as structural, functional, and spatial information, amino acid conservation, physicochemical variation, residue mobility, and thermodynamic stability) indicates that this missense variant is not expected to disrupt C1S protein function with a negative predictive value of 80%. In summary, the available evidence is currently insufficient to determine the role of this variant in disease. Therefore, it has been classified as a Variant of Uncertain Significance.